The following is an entry in ClinVar:

ClinVar aggregate classification (germline): Uncertain significance (1 of 4 stars; one submission).

Conditions:
Hereditary cancer-predisposing syndrome. Also called: Neoplastic Syndromes, Hereditary; Tumor predisposition; Hereditary neoplastic syndrome; Hereditary Cancer Syndrome. Identifiers: Orphanet 140162, MedGen C0027672, MeSH D009386, MONDO:0015356.

Submission:

Ambry Genetics
Classification: Uncertain significance for Hereditary cancer-predisposing syndrome. Last evaluated: 2023-11-17. Review status: criteria provided, single submitter. Criteria: Ambry Variant Classification Scheme 2023. Collection method: clinical testing. Allele origin: germline.
Comment: The p.L568P variant (also known as c.1703T>C), located in coding exon 15 of the TSC2 gene, results from a T to C substitution at nucleotide position 1703. The leucine at codon 568 is replaced by proline, an amino acid with similar properties. This amino acid position is conserved. In addition, this alteration is predicted to be deleterious by in silico analysis. Since supporting evidence is limited at this time, the clinical significance of this alteration remains unclear.

NM_000548.5(TSC2):c.1703T>C (p.Leu568Pro)

Gene: TSC2 (TSC complex subunit 2; plus strand). Cytogenetic location: 16p13.3.
Variant type: single nucleotide variant.
Coding change: c.1703T>C on transcript NM_000548.5 (MANE Select); coding-DNA position 1703, T replaced by C.
Protein change: p.Leu568Pro; replaces leucine 568 with proline.
Molecular consequence: missense variant. On other transcripts: non-coding transcript variant (5).
Genome position (GRCh38, 1-based): chr16:2,065,622, T>C. VCF-style: chr16-2065622-T-C. GRCh37 (hg19) VCF-style: chr16-2115623-T-C.
Other names: c.1703T>C, p.Leu568Pro (NM_001077183.3, NM_001114382.3, NM_001363528.2 and 6 more transcripts); c.1592T>C, p.Leu531Pro (NM_001318827.2, NM_001406670.1, NM_001406678.1); c.1556T>C, p.Leu519Pro (NM_001318829.2, NM_001406675.1, NM_001406676.1 and 1 more transcripts); c.1103T>C, p.Leu368Pro (NM_001318831.2, NM_001406680.1, NM_001406682.1 and 6 more transcripts); c.1736T>C, p.Leu579Pro (NM_001318832.2); c.1793T>C, p.Leu598Pro (NM_001406667.1, NM_001406668.1); c.1691T>C, p.Leu564Pro (NM_001406671.1, NM_001406673.1); c.1646T>C, p.Leu549Pro (NM_001406677.1); and 3 more; short protein forms L120P, L34P, L368P, L414P, L519P, L531P, L549P, L564P.
Identifiers: ClinVar variation 3232089 (VCV003232089.1), dbSNP rs2151210367, ClinGen allele CA394270673.